The following is an entry in ClinVar:

ClinVar aggregate classification (germline): not provided (0 of 4 stars; one submission).

Conditions:
Preeclampsia. Identifiers: Orphanet 275555, MedGen C0032914, MONDO:0005081, HP:0100602.

Submission:

Institute of Molecular and Cell Biology, University of Tartu
No classification provided. Condition: Preeclampsia. Review status: no classification provided. Collection method: case-control. Allele origin: unknown. Affected: yes. Study: Kasak2014.
Comment: The study aimed to determine the contribution of copy number variants in the genetic etiology of normal and complicated pregnancies. The samples represented (i) maternal blood DNA drawn from healthy pregnant women during 1st or 2nd trimester and (ii) maternal and paternal blood DNA drawn at term pregnancy cases representing normal and complicated gestations (severe preeclampsia, PE; gestational diabetes, GD; small-for-gestational age newborn, SGA; large-for-gestational age newborn, LGA). We performed CNV calling based on genome-wide genotyping dataset (Illumina HumanOmniExpress-24-v1 BeadChip) by applying three algorithms, QuantiSNP, GADA (Genome Alteration Detection Algorithm) and CNstream in parallel. The acquired CNV calls were merged with HD-CNV (Hotspot Detector for Copy Number Variants) program and only the CNVs predicted by at least two programs, were considered in subsequent analysis.

Literature cited by the submitters: PubMed 25666259.

Single allele

Gene: ZDHHC11 (zDHHC palmitoyltransferase 11; minus strand). Cytogenetic location: 5p15.33.
Variant type: Deletion.
Identifiers: ClinVar variation 156952 (VCV000156952.2).